The following is an entry in ClinVar:

NM_005529.7(HSPG2):c.4903G>A (p.Gly1635Arg)

Gene: HSPG2 (heparan sulfate proteoglycan 2; minus strand). Cytogenetic location: 1p36.12.
Variant type: single nucleotide variant.
Coding change: c.4903G>A on transcript NM_005529.7 (MANE Select); coding-DNA position 4903, G replaced by A.
Protein change: p.Gly1635Arg; replaces glycine 1635 with arginine.
Molecular consequence: missense variant.
Genome position (GRCh38, 1-based): chr1:21,861,809, C>T on the plus strand (G>A on the coding strand, the complement: HSPG2 is on the minus strand). VCF-style: chr1-21861809-C-T. GRCh37 (hg19) VCF-style: chr1-22188302-C-T.
Other names: c.4906G>A, p.Gly1636Arg (NM_001291860.2); short protein forms G1635R, G1636R.
Identifiers: ClinVar variation 295836 (VCV000295836.11), dbSNP rs368801694, ClinGen allele CA672124.
Genomic context (GRCh38, chr1:21,861,809, plus strand): 5'-AAACTTACTGCTCACAGTACTGGCCAGTGTAGCCGGGTTCGCAGGCCGTGCAGCGGTACC[C>T]GCCGGCTCCCAGGCTCTCACAGGTGCGGGAAAACCTGGGATCGGGGAGGCAAAGGTCAGG-3'
Protein context (NP_005520.4, residues 1625-1645): SRTCESLGAG[Gly1635Arg]YRCTACEPGY

ClinVar aggregate classification (germline): Uncertain significance. Review status: criteria provided, multiple submitters, no conflicts (2 of 4 stars). 5 submissions from 4 submitters: Uncertain significance (5). Last evaluated 2024-10-31.

Conditions:
Schwartz-Jampel syndrome. Also called: Myotonic myopathy dwarfism chondrodystrophy and ocular and facial abnormalities. Identifiers: Orphanet 800, MedGen C0036391, MONDO:0009717.
Lethal Kniest-like syndrome (DDSH). Also called: Dyssegmental Dysplasia. Identifiers: Orphanet 1865, MedGen C1857100, MONDO:0009140, OMIM 224410.
Schwartz-Jampel syndrome type 1 (SJS1). Also called: MYOTONIC MYOPATHY, DWARFISM, CHONDRODYSTROPHY, AND OCULAR AND FACIAL ABNORMALITIES; CHONDRODYSTROPHIC MYOTONIA. Identifiers: MedGen C4551479, MONDO:0100435, OMIM 255800.

Allele frequency attached by ClinVar (database versions not stated): gnomAD exomes 0.00002; ExAC 0.00003; gnomAD 0.00003; TOPMed 0.00003; ESP Exome Variant Server 0.00008.
gnomAD v4.1: 81 of 1,613,788 alleles (0.005%); highest among the groups gnomAD compares: Middle Eastern, 0.016%; no homozygotes.

Submissions (5):

Blueprint Genetics
Classification: Uncertain significance. Last evaluated: 2024-10-31. Review status: criteria provided, single submitter. Criteria: ACMG Guidelines, 2015. Collection method: clinical testing. Allele origin: germline.

Labcorp Genetics (formerly Invitae), Labcorp
Classification: Uncertain significance. Last evaluated: 2022-10-17. Review status: criteria provided, single submitter. Criteria: Invitae Variant Classification Sherloc (09022015). Collection method: clinical testing. Allele origin: germline.
Comment: In summary, the available evidence is currently insufficient to determine the role of this variant in disease. Therefore, it has been classified as a Variant of Uncertain Significance. Algorithms developed to predict the effect of missense changes on protein structure and function are either unavailable or do not agree on the potential impact of this missense change (SIFT: "Tolerated"; PolyPhen-2: "Probably Damaging"; Align-GVGD: "Class C0"). ClinVar contains an entry for this variant (Variation ID: 295836). This variant has not been reported in the literature in individuals affected with HSPG2-related conditions. This variant is present in population databases (rs368801694, gnomAD 0.005%). This sequence change replaces glycine, which is neutral and non-polar, with arginine, which is basic and polar, at codon 1635 of the HSPG2 protein (p.Gly1635Arg).

Fulgent Genetics
Classification: Uncertain significance for Lethal Kniest-like syndrome; Schwartz-Jampel syndrome type 1. Last evaluated: 2021-08-07. Review status: criteria provided, single submitter. Criteria: ACMG Guidelines, 2015. Collection method: clinical testing. Allele origin: unknown.

Illumina Laboratory Services, Illumina
Classification: Uncertain significance for Schwartz-Jampel syndrome type 1. Last evaluated: 2018-01-12. Review status: criteria provided, single submitter. Criteria: ICSL Variant Classification Criteria 13 December 2019. Collection method: clinical testing. Allele origin: germline.

Illumina Laboratory Services, Illumina
Classification: Uncertain significance for Lethal Kniest-like syndrome. Last evaluated: 2018-01-12. Review status: criteria provided, single submitter. Criteria: ICSL Variant Classification Criteria 13 December 2019. Collection method: clinical testing. Allele origin: germline.